The following is an entry in ClinVar:

NM_003743.5(NCOA1):c.-7T>C

Gene: NCOA1 (nuclear receptor coactivator 1; plus strand). Cytogenetic location: 2p23.3.
Variant type: single nucleotide variant.
Coding change: c.-7T>C on transcript NM_003743.5 (MANE Select); 7 bases upstream of the start codon, T replaced by C.
Molecular consequence: 5 prime UTR variant.
Genome position (GRCh38, 1-based): chr2:24,658,671, T>C. VCF-style: chr2-24658671-T-C. GRCh37 (hg19) VCF-style: chr2-24881540-T-C.
Other names: c.-7T>C (NM_001362950.1, NM_001362952.1, NM_001362954.1 and 3 more transcripts).
Identifiers: ClinVar variation 3357884 (VCV003357884.1).
Genomic context (GRCh38, chr2:24,658,671, plus strand): 5'-GTTGGAAAGGTCATAAGGGTAGATTTCTTACTGTTGTCCTTCCTGTTTAGGTGTGAAGTT[T>C]TTCAACATGAGTGGCCTCGGGGACAGTTCATCCGACCCTGCTAACCCAGACTCACATAAG-3'

ClinVar aggregate classification (germline): Likely benign (0 of 4 stars; one submission).

Conditions:
NCOA1-related disorder. Also called: NCOA1-related condition.

gnomAD v4.1: 2 of 1,613,792 alleles (0.00012%); highest among the groups gnomAD compares: Admixed American, 0.0033%; no homozygotes.

Submission:

PreventionGenetics, part of Exact Sciences
Classification: Likely benign for NCOA1-related condition. Last evaluated: 2021-08-19. Review status: no assertion criteria provided. Collection method: clinical testing. Allele origin: germline.
Comment: This variant is classified as likely benign based on ACMG/AMP sequence variant interpretation guidelines (Richards et al. 2015 PMID: 25741868, with internal and published modifications).